The following is an entry in ClinVar:

NM_000038.6(APC):c.*134C>G

Gene: APC (APC regulator of WNT signaling pathway; plus strand). Cytogenetic location: 5q22.2.
Variant type: single nucleotide variant.
Coding change: c.*134C>G on transcript NM_000038.6 (MANE Select); 134 bases downstream of the stop codon, C replaced by G.
Molecular consequence: 3 prime UTR variant.
Genome position (GRCh38, 1-based): chr5:112,844,260, C>G. VCF-style: chr5-112844260-C-G. GRCh37 (hg19) VCF-style: chr5-112179957-C-G.
Other names: c.*134C>G (NM_001127510.3, NM_001127511.3, NM_001354895.2 and 11 more transcripts).
Identifiers: ClinVar variation 82637 (VCV000082637.2), dbSNP rs76439767, ClinGen allele CA004258.

ClinVar aggregate classification (germline): other (0 of 4 stars; one submission).

Conditions:
Familial colorectal cancer. Identifiers: MedGen CN280943, MONDO:0023113. Disease mechanism: loss of function.

Allele frequency attached by ClinVar (database versions not stated): TOPMed below 0.00001; gnomAD 0.00001; gnomAD exomes 0.00001.
gnomAD v4.1: 8 of 835,884 alleles (0.00096%); highest among the groups gnomAD compares: Non-Finnish European, 0.0015%; no homozygotes.

Submission:

Systems Biology Platform Zhejiang California International NanoSystems Institute
Classification: other for Familial colorectal cancer. Review status: no assertion criteria provided. Collection method: not provided. Allele origin: unknown.
ClinVar note: Converted during submission from cancer to other.